The following is an entry in ClinVar:

ClinVar aggregate classification (germline): Conflicting classifications of pathogenicity. Review status: criteria provided, conflicting classifications (1 of 4 stars). 2 submissions from 2 submitters: Uncertain significance (1); Likely benign (1). Last evaluated 2026-10-01.

gnomAD v4.1: 120 of 1,614,066 alleles (0.0074%); highest among the groups gnomAD compares: East Asian, 0.15%; no homozygotes.

Submissions (2):

CeGaT Center for Human Genetics Tuebingen
Classification: Likely benign. Last evaluated: 2026-10-01. Review status: criteria provided, single submitter. Criteria: CeGaT Center For Human Genetics Tuebingen Variant Classification Criteria Version 2. Collection method: clinical testing. Allele origin: germline. Affected: yes. Observed: 1 variant allele.
Comment: MYOCD: BP4, BS1

Ambry Genetics
Classification: Uncertain significance. Last evaluated: 2024-09-01. Review status: criteria provided, single submitter. Criteria: Ambry Variant Classification Scheme 2023. Collection method: clinical testing. Allele origin: germline.

NM_001146312.3(MYOCD):c.2489C>T (p.Ser830Leu)

Genes: ARHGAP44-AS1 (ARHGAP44 and MYOCD antisense RNA 1; minus strand), MYOCD (myocardin; plus strand). Cytogenetic location: 17p12.
Variant type: single nucleotide variant.
Coding change: c.2489C>T on transcript NM_001146312.3 (MANE Select); coding-DNA position 2489, C replaced by T.
Protein change: p.Ser830Leu; replaces serine 830 with leucine.
Molecular consequence: missense variant. On other transcripts: non-coding transcript variant (1).
Genome position (GRCh38, 1-based): chr17:12,763,172, C>T. VCF-style: chr17-12763172-C-T. GRCh37 (hg19) VCF-style: chr17-12666489-C-T.
Other names: c.2252C>T, p.Ser751Leu (NM_001378306.1); c.2345C>T, p.Ser782Leu (NM_153604.4); short protein forms S830L, S782L, S751L.
Identifiers: ClinVar variation 3401780 (VCV003401780.2).